The following is an entry in ClinVar:

NM_001378615.1(CC2D2A):c.4086del (p.Asp1364fs)

Genes: FBXL5 (F-box and leucine rich repeat protein 5; minus strand), CC2D2A (coiled-coil and C2 domain containing 2A; plus strand). Cytogenetic location: 4p15.32.
Variant type: Deletion.
Coding change: c.4086del on transcript NM_001378615.1 (MANE Select); coding-DNA position 4086, one base deleted (A; older notation c.4086delA).
Protein change: p.Asp1364fs; shifts the reading frame from aspartic acid 1364.
Molecular consequence: frameshift variant.
Genome position (GRCh38, 1-based): chr4:15,587,836, A deleted. VCF-style (leftmost placement, unchanged base first): chr4-15587835-CA-C. GRCh37 (hg19) VCF-style: chr4-15589458-CA-C.
Other names: c.3939del, p.Asp1315fs (NM_001378617.1); c.4086del, p.Asp1364fs (NM_001080522.2); short protein forms D1315fs, D1364fs.
Identifiers: ClinVar variation 1068683 (VCV001068683.7), dbSNP rs2109090291, ClinGen allele CA2499217136.
Genomic context (GRCh38, chr4:15,587,835, plus strand): 5'-GCATTGAGTCATACAACATAATTTTTTTTTCTTTTTGTCAGCAATTTCTTGATCTCCTGG[CA>C]GGGGATGAAGAAGAACATGCAGTACTATTGTGTAATTACTTTCTGTCTCTGGGTAAGAAG-3'

ClinVar aggregate classification (germline): Pathogenic (1 of 4 stars; one submission).

Conditions:
Joubert syndrome. Also called: JOUBERT-BOLTSHAUSER SYNDROME; Familial aplasia of the vermis. Identifiers: Orphanet 475, MedGen C5979921, MONDO:0018772.
Meckel-Gruber syndrome. Also called: DYSENCEPHALIA SPLANCHNOCYSTICA; GRUBER SYNDROME; Dysencephalia splachnocystica. Identifiers: Orphanet 564, MedGen C0265215, MONDO:0018921.

Submission:

Labcorp Genetics (formerly Invitae), Labcorp
Classification: Pathogenic for Joubert syndrome; Meckel-Gruber syndrome. Last evaluated: 2022-03-10. Review status: criteria provided, single submitter. Criteria: Invitae Variant Classification Sherloc (09022015). Collection method: clinical testing. Allele origin: germline.
Comment: This sequence change creates a premature translational stop signal (p.Asp1364Metfs*23) in the CC2D2A gene. It is expected to result in an absent or disrupted protein product. Loss-of-function variants in CC2D2A are known to be pathogenic (PMID: 19777577). This variant is not present in population databases (gnomAD no frequency). This variant has not been reported in the literature in individuals affected with CC2D2A-related conditions. ClinVar contains an entry for this variant (Variation ID: 1068683). Algorithms developed to predict the effect of sequence changes on RNA splicing suggest that this variant may disrupt the consensus splice site. For these reasons, this variant has been classified as Pathogenic.

Literature cited by the submitters: PubMed 19777577.